The following is an entry in ClinVar:

ClinVar aggregate classification (germline): Uncertain significance (1 of 4 stars; one submission).

Submission:

Labcorp Genetics (formerly Invitae), Labcorp
Classification: Uncertain significance. Last evaluated: 2024-02-07. Review status: criteria provided, single submitter. Criteria: Invitae Variant Classification Sherloc (09022015). Collection method: clinical testing. Allele origin: germline.
Comment: This sequence change replaces lysine, which is basic and polar, with glutamic acid, which is acidic and polar, at codon 328 of the CLP1 protein (p.Lys328Glu). This variant is not present in population databases (gnomAD no frequency). This variant has not been reported in the literature in individuals affected with CLP1-related conditions. Advanced modeling of protein sequence and biophysical properties (such as structural, functional, and spatial information, amino acid conservation, physicochemical variation, residue mobility, and thermodynamic stability) performed at Invitae indicates that this missense variant is expected to disrupt CLP1 protein function with a positive predictive value of 80%. In summary, the available evidence is currently insufficient to determine the role of this variant in disease. Therefore, it has been classified as a Variant of Uncertain Significance.

NM_006831.3(CLP1):c.982A>G (p.Lys328Glu)

Gene: CLP1 (cleavage factor polyribonucleotide kinase subunit 1; plus strand). Cytogenetic location: 11q12.1.
Variant type: single nucleotide variant.
Coding change: c.982A>G on transcript NM_006831.3 (MANE Select); coding-DNA position 982, A replaced by G.
Protein change: p.Lys328Glu; replaces lysine 328 with glutamic acid.
Molecular consequence: missense variant.
Genome position (GRCh38, 1-based): chr11:57,661,140, A>G. VCF-style: chr11-57661140-A-G. GRCh37 (hg19) VCF-style: chr11-57428612-A-G.
Other names: c.790A>G, p.Lys264Glu (NM_001142597.2); short protein forms K328E, K264E.
Identifiers: ClinVar variation 2695251 (VCV002695251.3), dbSNP rs2495520380, ClinGen allele CA380699876.
Genomic context (GRCh38, chr11:57,661,140, plus strand): 5'-TTCCGAGGCTGTTTCTATCCCCATGCCTTCAATGTCAAATTTTCAGATGTGAAAATCTAC[A>G]AAGTTGGGGCACCCACCATCCCAGACTCCTGTTTACCTTTGGGCATGTCTCAAGAGGATA-3'
Protein context (NP_006822.1, residues 318-338): NVKFSDVKIY[Lys328Glu]VGAPTIPDSC